The following is an entry in ClinVar:

ClinVar aggregate classification (germline): Pathogenic. Review status: criteria provided, multiple submitters, no conflicts (2 of 4 stars). 5 submissions from 5 submitters: Pathogenic (5). Last evaluated 2025-12-13.

Conditions:
Hereditary cancer-predisposing syndrome. Also called: Neoplastic Syndromes, Hereditary; Hereditary Cancer Syndrome; Tumor predisposition; Hereditary neoplastic syndrome. Identifiers: Orphanet 140162, MedGen C0027672, MeSH D009386, MONDO:0015356.
Familial cancer of breast. Also called: Hereditary breast cancer; BREAST CANCER, FAMILIAL; hereditary breast carcinoma. Identifiers: Orphanet 227535, MedGen C0346153, MONDO:0016419, OMIM 114480. Disease mechanism: loss of function.
Ataxia-telangiectasia syndrome (AT). Also called: LOUIS-BAR SYNDROME; Cerebello-oculocutaneous telangiectasia; Immunodeficiency with ataxia telangiectasia; Ataxia-telangiectasia, complementation group D; AT, COMPLEMENTATION GROUP C; Ataxia-telangiectasia, complementation group E. Identifiers: Orphanet 100, MedGen C0004135, MONDO:0008840, OMIM 208900.

Submissions (5):

Labcorp Genetics (formerly Invitae), Labcorp
Classification: Pathogenic for Ataxia-telangiectasia syndrome. Last evaluated: 2025-12-13. Review status: criteria provided, single submitter. Criteria: Invitae Variant Classification Sherloc (09022015). Collection method: clinical testing. Allele origin: germline.
Comment: This sequence change creates a premature translational stop signal (p.Cys353Serfs*5) in the ATM gene. It is expected to result in an absent or disrupted protein product. Loss-of-function variants in ATM are known to be pathogenic (PMID: 23807571, 25614872). This variant is not present in population databases (gnomAD no frequency). This premature translational stop signal has been observed in individual(s) with ATM-related cancers (PMID: 21933854, 29470806, 29506128). ClinVar contains an entry for this variant (Variation ID: 490410). For these reasons, this variant has been classified as Pathogenic.

Baylor Genetics
Classification: Pathogenic for Familial cancer of breast. Last evaluated: 2023-09-12. Review status: criteria provided, single submitter. Criteria: ACMG Guidelines, 2015. Collection method: clinical testing. Allele origin: unknown.

Ambry Genetics
Classification: Pathogenic for Hereditary cancer-predisposing syndrome. Last evaluated: 2022-06-23. Review status: criteria provided, single submitter. Criteria: Ambry Variant Classification Scheme 2023. Collection method: clinical testing. Allele origin: germline.
Comment: The c.1058_1059delGT pathogenic mutation, located in coding exon 7 of the ATM gene, results from a deletion of two nucleotides at nucleotide positions 1058 to 1059, causing a translational frameshift with a predicted alternate stop codon (p.C353Sfs*5). This variant is considered to be rare based on population cohorts in the Genome Aggregation Database (gnomAD). This alteration is expected to result in loss of function by premature protein truncation or nonsense-mediated mRNA decay. As such, this alteration is interpreted as a disease-causing mutation.

GeneDx
Classification: Pathogenic. Last evaluated: 2019-10-15. Review status: criteria provided, single submitter. Criteria: GeneDx Variant Classification Process June 2021. Collection method: clinical testing. Allele origin: germline. Affected: yes.
Comment: Frameshift variant predicted to result in protein truncation or nonsense mediated decay in a gene for which loss-of-function is a known mechanism of disease; Not observed in large population cohorts (Lek 2016); Observed in individuals with a personal or family history consistent with pathogenic variants in this gene (Mannan 2016, Lowery 2018, Singh 2018); This variant is associated with the following publications: (PMID: 21933854, 29470806, 26911350, 29506128, 10023947)

Color Diagnostics, LLC DBA Color Health
Classification: Pathogenic for Hereditary cancer-predisposing syndrome. Last evaluated: 2016-05-02. Review status: criteria provided, single submitter. Criteria: ACMG Guidelines, 2015. Collection method: clinical testing. Allele origin: germline.

Literature cited by the submitters: PubMed 23807571 (cited by Labcorp Genetics (formerly Invitae), Labcorp); PubMed 25614872 (cited by Labcorp Genetics (formerly Invitae), Labcorp); PubMed 21933854 (cited by Labcorp Genetics (formerly Invitae), Labcorp); PubMed 29470806 (cited by Labcorp Genetics (formerly Invitae), Labcorp); PubMed 29506128 (cited by Labcorp Genetics (formerly Invitae), Labcorp).

NM_000051.4(ATM):c.1058_1059del (p.Cys353fs)

Gene: ATM (ATM serine/threonine kinase; plus strand). Cytogenetic location: 11q22.3.
Variant type: Deletion.
Coding change: c.1058_1059del on transcript NM_000051.4 (MANE Select); coding-DNA positions 1058 to 1059, 2 bases deleted (GT; older notation c.1058_1059delGT).
Protein change: p.Cys353fs; shifts the reading frame from cysteine 353.
Molecular consequence: frameshift variant.
Genome position (GRCh38, 1-based): chr11:108,247,120-108,247,121, GT deleted; deleting any 2 consecutive bases within chr11:108,247,119-108,247,121 gives the same sequence; the c. name uses the placement nearest the transcript's 3' end. VCF-style (leftmost placement, unchanged base first): chr11-108247118-CTG-C. GRCh37 (hg19) VCF-style: chr11-108117845-CTG-C.
Other names: c.1058_1059delGT (NM_000051.3); c.1057_1058delTG (NM_000051.4); c.1058_1059del, p.Cys353fs (NM_001351834.2); short protein forms C353fs.
Identifiers: ClinVar variation 490410 (VCV000490410.17), dbSNP rs1555068609, ClinGen allele CA645597675.